The following is an entry in ClinVar:

NM_170606.3(KMT2C):c.4430A>T (p.Asn1477Ile)

Gene: KMT2C (lysine methyltransferase 2C; minus strand). Cytogenetic location: 7q36.1.
Variant type: single nucleotide variant.
Coding change: c.4430A>T on transcript NM_170606.3 (MANE Select); coding-DNA position 4430, A replaced by T.
Protein change: p.Asn1477Ile; replaces asparagine 1477 with isoleucine.
Molecular consequence: missense variant.
Genome position (GRCh38, 1-based): chr7:152,194,517, T>A on the plus strand (A>T on the coding strand, the complement: KMT2C is on the minus strand). VCF-style: chr7-152194517-T-A. GRCh37 (hg19) VCF-style: chr7-151891602-T-A.
Other names: short protein forms N1477I.
Identifiers: ClinVar variation 4538099 (VCV004538099.1).

ClinVar aggregate classification (germline): Uncertain significance (1 of 4 stars; one submission).

Submission:

GeneDx
Classification: Uncertain significance. Last evaluated: 2025-06-15. Review status: criteria provided, single submitter. Criteria: GeneDx Variant Classification Process June 2021. Collection method: clinical testing. Allele origin: germline. Affected: yes.
Comment: Not observed at significant frequency in large population cohorts (gnomAD); In silico analysis supports that this missense variant has a deleterious effect on protein structure/function; Has not been previously published as pathogenic or benign to our knowledge